The following is an entry in ClinVar:

NM_000070.3(CAPN3):c.2440-3C>G

Genes: CAPN3 (calpain 3; plus strand), ZNF106 (zinc finger protein 106; minus strand). Cytogenetic location: 15q15.1.
Variant type: single nucleotide variant.
Coding change: c.2440-3C>G on transcript NM_000070.3 (MANE Select); 3 bases into the intron before coding-DNA position 2440, C replaced by G.
Molecular consequence: intron variant.
Genome position (GRCh38, 1-based): chr15:42,411,744, C>G. VCF-style: chr15-42411744-C-G. GRCh37 (hg19) VCF-style: chr15-42703942-C-G.
Other names: c.2422-3C>G (NM_024344.2); c.2164-3C>G (NM_173087.2); c.904-3C>G (NM_173088.2); c.445-3C>G (NM_173090.2, NM_173089.2).
Identifiers: ClinVar variation 281035 (VCV000281035.15), dbSNP rs761757153, ClinGen allele CA7511914.

ClinVar aggregate classification (germline): Conflicting classifications of pathogenicity. Review status: criteria provided, conflicting classifications (1 of 4 stars). 4 submissions from 4 submitters: Likely pathogenic (2); Uncertain significance (1). 1 of the submissions does not count toward it. Last evaluated 2026-01-20.

Conditions:
Muscular dystrophy, limb-girdle, autosomal dominant 4. Also called: Calpain-3-related limb-girdle muscular dystrophy D4; MUSCULAR DYSTROPHY, LIMB-GIRDLE, TYPE 1I. Identifiers: Orphanet 565909, MedGen C4748295, MONDO:0029133, OMIM 618129.
Autosomal recessive limb-girdle muscular dystrophy type 2A (LGMDR1). Also called: Calpainopathy; Muscular dystrophy, limb-girdle, type 2A, Amish; LEYDEN-MOEBIUS MUSCULAR DYSTROPHY; MUSCULAR DYSTROPHY, PELVOFEMORAL; Limb-girdle muscular dystrophy, type 2A. Identifiers: Orphanet 267, MedGen C1869123, MONDO:0009675, OMIM 253600. Disease mechanism: loss of function.

Allele frequency attached by ClinVar (database versions not stated): ExAC 0.00001; TOPMed 0.00001; gnomAD 0.00001; gnomAD exomes 0.00001.
gnomAD v4.1: 22 of 1,331,166 alleles (0.0017%); highest among the groups gnomAD compares: Non-Finnish European, 0.0022%; no homozygotes.

Submissions (4):

Institute of Medical Genetics and Applied Genomics, University Hospital Tübingen
Classification: Uncertain significance for Muscular dystrophy, limb-girdle, autosomal dominant 4. Last evaluated: 2026-01-20. Review status: criteria provided, single submitter. Criteria: ACMG Guidelines, 2015. Collection method: clinical testing. Allele origin: germline. Inheritance: Autosomal dominant inheritance. Affected: yes.

Labcorp Genetics (formerly Invitae), Labcorp
Classification: Likely pathogenic for Autosomal recessive limb-girdle muscular dystrophy type 2A. Last evaluated: 2025-03-31. Review status: criteria provided, single submitter. Criteria: Invitae Variant Classification Sherloc (09022015). Collection method: clinical testing. Allele origin: germline.
Comment: This sequence change falls in intron 23 of the CAPN3 gene. It does not directly change the encoded amino acid sequence of the CAPN3 protein. It affects a nucleotide within the consensus splice site. This variant is present in population databases (rs761757153, gnomAD 0.004%). This variant has been observed in individual(s) with clinical features of autosomal recessive limb-girdle muscular dystrophy (PMID: 18055493, 33931068; internal data). ClinVar contains an entry for this variant (Variation ID: 281035). Variants that disrupt the consensus splice site are a relatively common cause of aberrant splicing (PMID: 17576681, 9536098). Algorithms developed to predict the effect of sequence changes on RNA splicing suggest that this variant may disrupt the consensus splice site. In summary, the currently available evidence indicates that the variant is pathogenic, but additional data are needed to prove that conclusively. Therefore, this variant has been classified as Likely Pathogenic.

Eurofins Ntd Llc (ga)
Classification: Likely pathogenic. Last evaluated: 2017-10-04. Review status: criteria provided, single submitter. Criteria: EGL Classification Definitions 2015. Collection method: clinical testing. Allele origin: germline. Observed: 4 variant alleles, 4 heterozygotes.

Natera, Inc.
Classification: Uncertain significance for Limb-girdle muscular dystrophy type 2A. Last evaluated: 2020-12-03. Review status: no assertion criteria provided. Collection method: clinical testing. Allele origin: germline. Not counted in ClinVar's aggregate classification.

Literature cited by the submitters: PubMed 18055493 (cited by Labcorp Genetics (formerly Invitae), Labcorp); PubMed 33931068 (cited by Labcorp Genetics (formerly Invitae), Labcorp); PubMed 17576681 (cited by Labcorp Genetics (formerly Invitae), Labcorp); PubMed 9536098 (cited by Labcorp Genetics (formerly Invitae), Labcorp).